The following is an entry in ClinVar:

NM_017612.5(ZCCHC8):c.484A>C (p.Asn162His)

Gene: ZCCHC8 (zinc finger CCHC-type containing 8; minus strand). Cytogenetic location: 12q24.31.
Variant type: single nucleotide variant.
Coding change: c.484A>C on transcript NM_017612.5 (MANE Select); coding-DNA position 484, A replaced by C.
Protein change: p.Asn162His; replaces asparagine 162 with histidine.
Molecular consequence: missense variant. On other transcripts: 5 prime UTR variant (2).
Genome position (GRCh38, 1-based): chr12:122,489,403, T>G on the plus strand (A>C on the coding strand, the complement: ZCCHC8 is on the minus strand). VCF-style: chr12-122489403-T-G. GRCh37 (hg19) VCF-style: chr12-122973950-T-G.
Other names: c.484A>C, p.Asn162His (NM_001350935.2); c.187A>C, p.Asn63His (NM_001350936.2); c.-61A>C (NM_001350937.2, NM_001350938.2); short protein forms N162H, N63H.
Identifiers: ClinVar variation 2977236 (VCV002977236.3), dbSNP rs764102287, ClinGen allele CA244757841.
Genomic context (GRCh38, chr12:122,489,403, plus strand): 5'-AACACCTATTGGCTGAATTCAAAACTGAAATGTCCAAACTTACACTGAAAGCTTCCTTGT[T>G]GTTTTTAATGGCACAGGACTCTTCCACTTTGTGGTCCTCCTCTAGCACAATACTGGATGG-3'
Protein context (NP_060082.2, residues 152-172): KVEESCAIKN[Asn162His]KEAFSVVGSV

ClinVar aggregate classification (germline): Uncertain significance (1 of 4 stars; one submission).

Allele frequency attached by ClinVar (database versions not stated): gnomAD 0.00001; TOPMed 0.00001; gnomAD exomes 0.00004.
gnomAD v4.1: 64 of 1,613,624 alleles (0.004%); highest among the groups gnomAD compares: Non-Finnish European, 0.0053%; no homozygotes.

Submission:

Labcorp Genetics (formerly Invitae), Labcorp
Classification: Uncertain significance. Last evaluated: 2023-03-17. Review status: criteria provided, single submitter. Criteria: Invitae Variant Classification Sherloc (09022015). Collection method: clinical testing. Allele origin: germline.
Comment: In summary, the available evidence is currently insufficient to determine the role of this variant in disease. Therefore, it has been classified as a Variant of Uncertain Significance. Advanced modeling of protein sequence and biophysical properties (such as structural, functional, and spatial information, amino acid conservation, physicochemical variation, residue mobility, and thermodynamic stability) performed at Invitae indicates that this missense variant is not expected to disrupt ZCCHC8 protein function. This variant has not been reported in the literature in individuals affected with ZCCHC8-related conditions. This variant is present in population databases (rs764102287, gnomAD 0.003%). This sequence change replaces asparagine, which is neutral and polar, with histidine, which is basic and polar, at codon 162 of the ZCCHC8 protein (p.Asn162His).